The following is an entry in ClinVar:

NC_000009.12:g.(?_6532997)_(6645519_?)del

Genes: GLDC (glycine decarboxylase; minus strand), LOC113839554 (Sharpr-MPRA regulatory region 10661; plus strand), LOC126860573 (P300/CBP strongly-dependent group 1 enhancer GRCh37_chr9:6566198-6567397; plus strand), LOC130001537 (ATAC-STARR-seq lymphoblastoid active region 28187; plus strand), LOC130001538 (ATAC-STARR-seq lymphoblastoid active region 28191; plus strand). Cytogenetic location: 9p24.1.
Variant type: Deletion.
Identifiers: ClinVar variation 462848 (VCV000462848.1).

ClinVar aggregate classification (germline): Pathogenic (1 of 4 stars; one submission).

Conditions:
Glycine encephalopathy. Also called: Nonketotic hyperglycinemia; Non-ketotic hyperglycinemia. Identifiers: Orphanet 407, MedGen C0751748, MONDO:0011612, HP:0008288.

Submission:

Labcorp Genetics (formerly Invitae), Labcorp
Classification: Pathogenic for Non-ketotic hyperglycinemia. Last evaluated: 2018-05-14. Review status: criteria provided, single submitter. Criteria: Invitae Variant Classification Sherloc (09022015). Collection method: clinical testing. Allele origin: germline.
Comment: A gross deletion of the genomic region encompassing the full coding sequence of the GLDC gene has been identified. The boundaries of this event are unknown as the deletion extends beyond the assayed region for this gene and therefore may encompass additional genes. A similar whole gene deletion has been reported in the literature in individuals affected with glycine encephalopathy (PMID: 17361008, 26947380, 25231368, 28468868). Loss-of-function variants in GLDC are known to be pathogenic (PMID: 16601880). For these reasons, this variant has been classified as Pathogenic.

Literature cited by the submitters: PubMed 17361008; PubMed 25231368; PubMed 26947380; PubMed 28468868.